The following is an entry in ClinVar:

NM_000531.6(OTC):c.448A>T (p.Thr150Ser)

Gene: OTC (ornithine transcarbamylase; plus strand). Cytogenetic location: Xp11.4.
Variant type: single nucleotide variant.
Coding change: c.448A>T on transcript NM_000531.6 (MANE Select); coding-DNA position 448, A replaced by T.
Protein change: p.Thr150Ser; replaces threonine 150 with serine.
Molecular consequence: missense variant.
Genome position (GRCh38, 1-based): chrX:38,401,336, A>T. VCF-style: chrX-38401336-A-T. GRCh37 (hg19) VCF-style: chrX-38260589-A-T.
Other names: c.448A>T (NM_000531.5); c.448A>T, p.Thr150Ser (NM_001407092.1); short protein forms T150S.
Identifiers: ClinVar variation 2004880 (VCV002004880.7), dbSNP rs758684873, ClinGen allele CA10385872.

ClinVar aggregate classification (germline): Conflicting classifications of pathogenicity. Review status: criteria provided, conflicting classifications (1 of 4 stars). 4 submissions from 4 submitters: Uncertain significance (3); Likely benign (1). Last evaluated 2026-07-06.

Conditions:
Inborn genetic diseases. Identifiers: MedGen C0950123, MeSH D030342.
Ornithine carbamoyltransferase deficiency (OTCD). Also called: ORNITHINE TRANSCARBAMYLASE DEFICIENCY; ORNITHINE TRANSCARBAMYLASE DEFICIENCY, HYPERAMMONEMIA DUE TO; Ornithine Carbamoyltransferase Deficiency Disease; OTC DEFICIENCY. Identifiers: Orphanet 664, MedGen C0268542, MONDO:0010703, OMIM 311250.

Allele frequency attached by ClinVar (database versions not stated): gnomAD exomes 0.00001; ExAC 0.00001.
gnomAD v4.1: 9 of 1,196,493 alleles (0.00075%); highest among the groups gnomAD compares: Non-Finnish European, 0.00091%; no homozygotes.

Submissions (4):

Ambry Genetics
Classification: Uncertain significance for Inborn genetic diseases. Last evaluated: 2026-07-06. Review status: criteria provided, single submitter. Criteria: Ambry Variant Classification Scheme 2023. Collection method: clinical testing. Allele origin: germline.
Comment: The p.T150S variant (also known as c.448A>T), located in coding exon 5 of the OTC gene, results from an A to T substitution at nucleotide position 448. The threonine at codon 150 is replaced by serine, an amino acid with similar properties. This amino acid position is conserved. In addition, the in silico prediction for this alteration is inconclusive. Based on the available evidence, the clinical significance of this variant remains unclear.

Labcorp Genetics (formerly Invitae), Labcorp
Classification: Likely benign for Ornithine carbamoyltransferase deficiency. Last evaluated: 2025-11-18. Review status: criteria provided, single submitter. Criteria: Invitae Variant Classification Sherloc (09022015). Collection method: clinical testing. Allele origin: germline.

Color Diagnostics, LLC DBA Color Health
Classification: Uncertain significance for Ornithine carbamoyltransferase deficiency. Last evaluated: 2025-07-14. Review status: criteria provided, single submitter. Criteria: ACMG Guidelines, 2015. Collection method: clinical testing. Allele origin: germline.
Comment: This missense variant replaces threonine with serine at codon 150 of the OTC protein. Computational prediction is inconclusive regarding the impact of this variant on protein structure and function. To our knowledge, functional studies have not been reported for this variant. This variant has not been reported in individuals affected with OTC-related disorders in the literature. This variant has not been identified in the general population by the Genome Aggregation Database (gnomAD). The available evidence is insufficient to determine the role of this variant in disease conclusively. Therefore, this variant is classified as a Variant of Uncertain Significance.

All of Us Research Program, National Institutes of Health
Classification: Uncertain significance for Ornithine carbamoyltransferase deficiency. Last evaluated: 2023-04-27. Review status: criteria provided, single submitter. Criteria: ACMG Guidelines, 2015. Collection method: clinical testing. Allele origin: germline. Inheritance: X-linked inheritance. Observed: 1 variant allele, 1 heterozygote.
Comment: This study involves interpretation of variants in research participants for the purpose of population health screening. Participant phenotype was not available at the time of variant classification. Additional details can be found in publication PMID: 35346344, PMCID: PMC8962531